The following is an entry in ClinVar:

NC_012920.1(MT-ND1):m.3892A>G

Gene: MT-ND1 (mitochondrially encoded NADH dehydrogenase 1; plus strand).
Variant type: single nucleotide variant.
Genome position: chrM-3892-A-G.
Identifiers: ClinVar variation 692406 (VCV000692406.2), dbSNP rs879131781, ClinGen allele CA337096713.

ClinVar aggregate classification (germline): Benign. Review status: criteria provided, multiple submitters, no conflicts (2 of 4 stars). 2 submissions from 2 submitters: Benign (2). Last evaluated 2019-10-17.

Conditions:
Leigh syndrome (NULS). Also called: Leigh's necrotizing encephalopathy; Leigh's disease; Leigh Syndrome (mtDNA deletion); Leigh Disease; Subacute necrotizing encephalopathy; Necrotizing encephalopathy infantile subacute of Leigh. Identifiers: Orphanet 506, MedGen C2931891, MONDO:0009723, OMIM 256000.

Submissions (2):

Wong Mito Lab, Molecular and Human Genetics, Baylor College of Medicine
Classification: Benign for Leigh syndrome. Last evaluated: 2019-10-17. Review status: criteria provided, single submitter. Criteria: Modified ACMG Guidelines (Unpublished). Collection method: clinical testing. Allele origin: germline.
Comment: The NC_012920.1:m.3892A>G (YP_003024026.1:p.Thr196Ala) variant in MTND1 gene is interpretated to be a Benign variant based on the modified ACMG guidelines (unpublished). This variant meets the following evidence codes: BS1, BS2, BP4

Breakthrough Genomics
Classification: Benign. Review status: criteria provided, single submitter. Criteria: ACMG Guidelines, 2015. Collection method: not provided. Allele origin: germline. Inheritance: Unknown mechanism. Affected: yes.